The following is an entry in ClinVar:

NM_001375524.1(TRRAP):c.7020G>A (p.Thr2340=)

Gene: TRRAP (transformation/transcription domain associated protein; plus strand). Cytogenetic location: 7q22.1.
Variant type: single nucleotide variant.
Coding change: c.7020G>A on transcript NM_001375524.1 (MANE Select); coding-DNA position 7020, G replaced by A.
Protein change: p.Thr2340=; no amino-acid change (threonine 2340 retained).
Molecular consequence: synonymous variant.
Genome position (GRCh38, 1-based): chr7:98,965,739, G>A. VCF-style: chr7-98965739-G-A. GRCh37 (hg19) VCF-style: chr7-98563362-G-A.
Other names: c.6999G>A, p.Thr2333= (NM_001244580.2); c.6945G>A, p.Thr2315= (NM_003496.4).
Identifiers: ClinVar variation 3389254 (VCV003389254.14).

ClinVar aggregate classification (germline): Likely benign (1 of 4 stars; one submission).

gnomAD v4.1: 3 of 1,614,062 alleles (0.00019%); highest among the groups gnomAD compares: South Asian, 0.0022%; no homozygotes.

Submission:

CeGaT Center for Human Genetics Tuebingen
Classification: Likely benign. Last evaluated: 2024-09-01. Review status: criteria provided, single submitter. Criteria: CeGaT Center For Human Genetics Tuebingen Variant Classification Criteria Version 2. Collection method: clinical testing. Allele origin: germline. Affected: yes. Observed: 1 variant allele.
Comment: TRRAP: BP4, BP7